The following is an entry in ClinVar:

ClinVar aggregate classification (germline): Benign/Likely benign. Review status: criteria provided, multiple submitters, no conflicts (2 of 4 stars). 5 submissions from 5 submitters: Benign (4); Likely benign (1). Last evaluated 2024-11-27.

Conditions:
Fraser syndrome 2 (FRASRS2). Identifiers: MedGen C4540036, MONDO:0054738, OMIM 617666.

Allele frequency attached by ClinVar (database versions not stated): ESP Exome Variant Server 0.00200; 1000 Genomes Project 0.09185; 1000 Genomes Project 30x 0.09635; gnomAD 0.10596 and 0.10619; TOPMed 0.11825.
gnomAD v4.1: 185,071 of 1,613,338 alleles (11%); highest among the groups gnomAD compares: Admixed American, 28%; 12,567 homozygotes.

Submissions (5):

Blueprint Genetics
Classification: Likely benign. Last evaluated: 2024-11-27. Review status: criteria provided, single submitter. Criteria: ACMG Guidelines, 2015. Collection method: clinical testing. Allele origin: germline.

Mayo Clinic Laboratories, Mayo Clinic
Classification: Benign. Last evaluated: 2022-03-09. Review status: criteria provided, single submitter. Criteria: ACMG Guidelines, 2015. Collection method: clinical testing. Allele origin: germline. Observed: 13 variant alleles.

GeneDx
Classification: Benign. Last evaluated: 2020-01-20. Review status: criteria provided, single submitter. Criteria: GeneDx Variant Classification Process June 2021. Collection method: clinical testing. Allele origin: germline. Affected: yes.

Illumina Laboratory Services, Illumina
Classification: Benign for Fraser syndrome 2. Last evaluated: 2018-01-12. Review status: criteria provided, single submitter. Criteria: ICSL Variant Classification Criteria 13 December 2019. Collection method: clinical testing. Allele origin: germline.
Comment: This variant was observed in the ICSL laboratory as part of a predisposition screen in an ostensibly healthy population. It had not been previously curated by ICSL or reported in the Human Gene Mutation Database (HGMD: prior to June 1st, 2018), and was therefore a candidate for classification through an automated scoring system. Utilizing variant allele frequency, disease prevalence and penetrance estimates, and inheritance mode, an automated score was calculated to assess if this variant is too frequent to cause the disease. Based on the score and internal cut-off values, a variant classified as benign is not then subjected to further curation. The score for this variant resulted in a classification of benign for this disease.

Breakthrough Genomics
Classification: Benign. Review status: criteria provided, single submitter. Criteria: ACMG Guidelines, 2015. Collection method: not provided. Allele origin: germline. Inheritance: Autosomal recessive inheritance. Affected: yes.

NM_207361.6(FREM2):c.6459T>C (p.Thr2153=)

Gene: FREM2 (FRAS1 related extracellular matrix 2; plus strand). Cytogenetic location: 13q13.3.
Variant type: single nucleotide variant.
Coding change: c.6459T>C on transcript NM_207361.6 (MANE Select); coding-DNA position 6459, T replaced by C.
Protein change: p.Thr2153=; no amino-acid change (threonine 2153 retained).
Molecular consequence: synonymous variant.
Genome position (GRCh38, 1-based): chr13:38,850,117, T>C. VCF-style: chr13-38850117-T-C. GRCh37 (hg19) VCF-style: chr13-39424254-T-C.
Other names: p.Thr2153=.
Identifiers: ClinVar variation 312009 (VCV000312009.10), dbSNP rs9548507, ClinGen allele CA6955572.
Genomic context (GRCh38, chr13:38,850,117, plus strand): 5'-AGAACGAATATATACTGGCAGCGAAAGTGATGGGCAGATAGTTACAATGATCCATAGGAC[T>C]GGGGATGTCCAGTACAGATCTTCAGTGAGATGCTACACCCGGCAGGGGTCTGCACAGGTG-3'
Protein context (NP_997244.4, residues 2143-2163): DGQIVTMIHR[Thr2153=]GDVQYRSSVR